The following is an entry in ClinVar:

NM_003896.4(ST3GAL5):c.1079G>A (p.Gly360Asp)

Gene: ST3GAL5 (ST3 beta-galactoside alpha-2,3-sialyltransferase 5; minus strand). Cytogenetic location: 2p11.2.
Variant type: single nucleotide variant.
Coding change: c.1079G>A on transcript NM_003896.4 (MANE Select); coding-DNA position 1079, G replaced by A.
Protein change: p.Gly360Asp; replaces glycine 360 with aspartic acid.
Molecular consequence: missense variant.
Genome position (GRCh38, 1-based): chr2:85,840,322, C>T on the plus strand (G>A on the coding strand, the complement: ST3GAL5 is on the minus strand). VCF-style: chr2-85840322-C-T. GRCh37 (hg19) VCF-style: chr2-86067445-C-T.
Other names: c.1010G>A, p.Gly337Asp (NM_001042437.2); c.695G>A, p.Gly232Asp (NM_001354223.2, NM_001354224.2, NM_001354226.2 and 3 more transcripts); c.995G>A, p.Gly332Asp (NM_001354227.2, NM_001354229.2, NM_001354238.1); c.356G>A, p.Gly119Asp (NM_001354247.1); c.920G>A, p.Gly307Asp (NM_001363847.1); short protein forms G332D, G119D, G232D, G360D, G307D, G337D.
Identifiers: ClinVar variation 649313 (VCV000649313.1), dbSNP rs1313087028, ClinGen allele CA347503154.

ClinVar aggregate classification (germline): Uncertain significance (1 of 4 stars; one submission).

Conditions:
GM3 synthase deficiency (SPDRS). Also called: SALT AND PEPPER MENTAL RETARDATION SYNDROME; SALT AND PEPPER DEVELOPMENTAL REGRESSION SYNDROME; AMISH INFANTILE EPILEPSY SYNDROME. Identifiers: Orphanet 171714, Orphanet 370933, MedGen C1836824, MONDO:0018274, OMIM 609056.

Submission:

Labcorp Genetics (formerly Invitae), Labcorp
Classification: Uncertain significance for Salt and pepper developmental regression syndrome. Last evaluated: 2019-01-06. Review status: criteria provided, single submitter. Criteria: Invitae Variant Classification Sherloc (09022015). Collection method: clinical testing. Allele origin: germline.
Comment: This sequence change replaces glycine with aspartic acid at codon 360 of the ST3GAL5 protein (p.Gly360Asp). The glycine residue is highly conserved and there is a moderate physicochemical difference between glycine and aspartic acid. This variant is not present in population databases (ExAC no frequency). This variant has not been reported in the literature in individuals with ST3GAL5-related conditions. Algorithms developed to predict the effect of missense changes on protein structure and function (SIFT, PolyPhen-2, Align-GVGD) all suggest that this variant is likely to be disruptive, but these predictions have not been confirmed by published functional studies and their clinical significance is uncertain. In summary, the available evidence is currently insufficient to determine the role of this variant in disease. Therefore, it has been classified as a Variant of Uncertain Significance.